The following is an entry in ClinVar:

ClinVar aggregate classification (germline): Likely benign (0 of 4 stars; one submission).

Conditions:
PIEZO1-related disorder. Also called: PIEZO1-related condition; PIEZO1-Related Disorders.

Allele frequency attached by ClinVar (database versions not stated): gnomAD 0.00001; gnomAD exomes 0.00002; TOPMed 0.00002.
gnomAD v4.1: 25 of 1,535,288 alleles (0.0016%); highest among the groups gnomAD compares: Non-Finnish European, 0.0022%; no homozygotes.

Submission:

PreventionGenetics, part of Exact Sciences
Classification: Likely benign for PIEZO1-related condition. Last evaluated: 2023-06-28. Review status: no assertion criteria provided. Collection method: clinical testing. Allele origin: germline.
Comment: This variant is classified as likely benign based on ACMG/AMP sequence variant interpretation guidelines (Richards et al. 2015 PMID: 25741868, with internal and published modifications).

NM_001142864.4(PIEZO1):c.225C>T (p.Leu75=)

Gene: PIEZO1 (piezo type mechanosensitive ion channel component 1 (Er blood group); minus strand). Cytogenetic location: 16q24.3.
Variant type: single nucleotide variant.
Coding change: c.225C>T on transcript NM_001142864.4 (MANE Select); coding-DNA position 225, C replaced by T.
Protein change: p.Leu75=; no amino-acid change (leucine 75 retained).
Molecular consequence: synonymous variant.
Genome position (GRCh38, 1-based): chr16:88,742,358, G>A on the plus strand (C>T on the coding strand, the complement: PIEZO1 is on the minus strand). VCF-style: chr16-88742358-G-A. GRCh37 (hg19) VCF-style: chr16-88808766-G-A.
Identifiers: ClinVar variation 3054712 (VCV003054712.2), dbSNP rs750863512, ClinGen allele CA497115168.